The following is an entry in ClinVar:

NM_000218.3(KCNQ1):c.1008C>T (p.Ala336=)

Gene: KCNQ1 (potassium voltage-gated channel subfamily Q member 1; plus strand). Cytogenetic location: 11p15.5.
Variant type: single nucleotide variant.
Coding change: c.1008C>T on transcript NM_000218.3 (MANE Select); coding-DNA position 1008, C replaced by T.
Protein change: p.Ala336=; no amino-acid change (alanine 336 retained).
Molecular consequence: synonymous variant.
Genome position (GRCh38, 1-based): chr11:2,583,521, C>T. VCF-style: chr11-2583521-C-T. GRCh37 (hg19) VCF-style: chr11-2604751-C-T.
Other names: c.1008C>T, p.Ala336= (NM_001406836.1); c.738C>T, p.Ala246= (NM_001406837.1); c.564C>T, p.Ala188= (NM_001406838.1); c.627C>T, p.Ala209= (NM_181798.2).
Identifiers: ClinVar variation 511704 (VCV000511704.21), dbSNP rs201009813, ClinGen allele CA026681.

ClinVar aggregate classification (germline): Likely benign. Review status: criteria provided, multiple submitters, no conflicts (2 of 4 stars). 5 submissions from 5 submitters: Likely benign (5). Last evaluated 2025-11-24.

Conditions:
Cardiovascular phenotype. Identifiers: MedGen CN230736.
Cardiac arrhythmia. Also called: Arrhythmia; Cardiac rhythm disease. Identifiers: MedGen C0003811, MONDO:0007263, HP:0011675.
Long QT syndrome (LQTS). Identifiers: MedGen C0023976, MeSH D008133, MONDO:0002442. Disease mechanism: loss of function. Inheritance: Various modes of inheritance.

Allele frequency attached by ClinVar (database versions not stated): gnomAD 0.00001 and 0.00002; TOPMed 0.00001; gnomAD exomes 0.00003 and 0.00008; ExAC 0.00007; 1000 Genomes Project 30x 0.00016; 1000 Genomes Project 0.00020.
gnomAD v4.1: 43 of 1,613,814 alleles (0.0027%); highest among the groups gnomAD compares: East Asian, 0.062%; no homozygotes.

Submissions (5):

Labcorp Genetics (formerly Invitae), Labcorp
Classification: Likely benign for Long QT syndrome. Last evaluated: 2025-11-24. Review status: criteria provided, single submitter. Criteria: Invitae Variant Classification Sherloc (09022015). Collection method: clinical testing. Allele origin: germline.

Ambry Genetics
Classification: Likely benign for Cardiovascular phenotype. Last evaluated: 2024-05-19. Review status: criteria provided, single submitter. Criteria: Ambry Variant Classification Scheme 2023. Collection method: clinical testing. Allele origin: germline.

All of Us Research Program, National Institutes of Health
Classification: Likely benign for Long QT syndrome. Last evaluated: 2024-02-05. Review status: criteria provided, single submitter. Criteria: ACMG Guidelines, 2015. Collection method: clinical testing. Allele origin: germline. Inheritance: Autosomal dominant inheritance. Observed: 5 variant alleles, 5 heterozygotes.
Comment: This study involves interpretation of variants in research participants for the purpose of population health screening. Participant phenotype was not available at the time of variant classification. Additional details can be found in publication PMID: 35346344, PMCID: PMC8962531

Color Diagnostics, LLC DBA Color Health
Classification: Likely benign for Arrhythmia. Last evaluated: 2018-12-07. Review status: criteria provided, single submitter. Criteria: ACMG Guidelines, 2015. Collection method: clinical testing. Allele origin: germline.

GeneDx
Classification: Likely benign. Last evaluated: 2017-09-06. Review status: criteria provided, single submitter. Criteria: GeneDx Variant Classification (06012015). Collection method: clinical testing. Allele origin: germline. Affected: yes.
Comment: This variant is considered likely benign or benign based on one or more of the following criteria: it is a conservative change, it occurs at a poorly conserved position in the protein, it is predicted to be benign by multiple in silico algorithms, and/or has population frequency not consistent with disease.